The following is an entry in ClinVar:

ClinVar aggregate classification (germline): Uncertain significance (1 of 4 stars; one submission).

Conditions:
Frontotemporal dementia and/or amyotrophic lateral sclerosis 1 (FTDALS1). Also called: Frontotemporal dementia with motor neuron disease 1; C9orf72 Frontotemporal Dementia and/or Amyotrophic Lateral Sclerosis. Identifiers: Orphanet 275872, MedGen C5779877, MONDO:0007105, OMIM 105550.
Paget disease of bone 2, early-onset (PDB2). Also called: Paget disease of bone 2. Identifiers: MedGen C4085251, MONDO:0011183, OMIM 602080.

Allele frequency attached by ClinVar (database versions not stated): gnomAD exomes below 0.00001.
gnomAD v4.1: 4 of 1,614,180 alleles (0.00025%); highest among the groups gnomAD compares: Non-Finnish European, 0.00034%; no homozygotes.

Submission:

Labcorp Genetics (formerly Invitae), Labcorp
Classification: Uncertain significance for Paget disease of bone 2, early-onset; Frontotemporal dementia and/or amyotrophic lateral sclerosis 1. Last evaluated: 2025-10-08. Review status: criteria provided, single submitter. Criteria: Invitae Variant Classification Sherloc (09022015). Collection method: clinical testing. Allele origin: germline.
Comment: This sequence change replaces glycine, which is neutral and non-polar, with glutamic acid, which is acidic and polar, at codon 334 of the SQSTM1 protein (p.Gly334Glu). This variant is not present in population databases (gnomAD no frequency). This variant has not been reported in the literature in individuals affected with SQSTM1-related conditions. ClinVar contains an entry for this variant (Variation ID: 1961469). Invitae Evidence Modeling of protein sequence and biophysical properties (such as structural, functional, and spatial information, amino acid conservation, physicochemical variation, residue mobility, and thermodynamic stability) indicates that this missense variant is not expected to disrupt SQSTM1 protein function with a negative predictive value of 80%. In summary, the available evidence is currently insufficient to determine the role of this variant in disease. Therefore, it has been classified as a Variant of Uncertain Significance.

NM_003900.5(SQSTM1):c.1001G>A (p.Gly334Glu)

Gene: SQSTM1 (sequestosome 1; plus strand). Cytogenetic location: 5q35.3.
Variant type: single nucleotide variant.
Coding change: c.1001G>A on transcript NM_003900.5 (MANE Select); coding-DNA position 1001, G replaced by A.
Protein change: p.Gly334Glu; replaces glycine 334 with glutamic acid.
Molecular consequence: missense variant.
Genome position (GRCh38, 1-based): chr5:179,833,618, G>A. VCF-style: chr5-179833618-G-A. GRCh37 (hg19) VCF-style: chr5-179260618-G-A.
Other names: c.749G>A, p.Gly250Glu (NM_001142298.2, NM_001142299.2); short protein forms G334E, G250E.
Identifiers: ClinVar variation 1961469 (VCV001961469.5), dbSNP rs2480247507, ClinGen allele CA362452430.